The following is an entry in ClinVar:

NM_001298.3(CNGA3):c.1106C>T (p.Thr369Ile)

Gene: CNGA3 (cyclic nucleotide gated channel subunit alpha 3; plus strand). Cytogenetic location: 2q11.2.
Variant type: single nucleotide variant.
Coding change: c.1106C>T on transcript NM_001298.3 (MANE Select); coding-DNA position 1106, C replaced by T.
Protein change: p.Thr369Ile; replaces threonine 369 with isoleucine.
Molecular consequence: missense variant.
Genome position (GRCh38, 1-based): chr2:98,396,276, C>T. VCF-style: chr2-98396276-C-T. GRCh37 (hg19) VCF-style: chr2-99012739-C-T.
Other names: c.1052C>T, p.Thr351Ile (NM_001079878.2); short protein forms T351I, T369I.
Identifiers: ClinVar variation 1495503 (VCV001495503.6), dbSNP rs201372439, ClinGen allele CA347832844.
Genomic context (GRCh38, chr2:98,396,276, plus strand): 5'-CCAGGAAGTACATTTACAGTCTCTACTGGTCCACCTTGACCCTTACCACCATTGGTGAGA[C>T]CCCACCCCCCGTGAAAGATGAGGAGTATCTCTTTGTGGTCGTAGACTTCTTGGTGGGTGT-3'
Protein context (NP_001289.1, residues 359-379): STLTLTTIGE[Thr369Ile]PPPVKDEEYL

ClinVar aggregate classification (germline): Uncertain significance. Review status: criteria provided, multiple submitters, no conflicts (2 of 4 stars). 2 submissions from 2 submitters: Uncertain significance (2). Last evaluated 2022-02-10.

gnomAD v4.1: 26 of 1,611,270 alleles (0.0016%); highest among the groups gnomAD compares: Non-Finnish European, 0.002%; no homozygotes.

Submissions (2):

Labcorp Genetics (formerly Invitae), Labcorp
Classification: Uncertain significance. Last evaluated: 2022-02-10. Review status: criteria provided, single submitter. Criteria: Invitae Variant Classification Sherloc (09022015). Collection method: clinical testing. Allele origin: germline.
Comment: This sequence change replaces threonine, which is neutral and polar, with isoleucine, which is neutral and non-polar, at codon 369 of the CNGA3 protein (p.Thr369Ile). This variant is not present in population databases (gnomAD no frequency). This variant has not been reported in the literature in individuals affected with CNGA3-related conditions. Advanced modeling of protein sequence and biophysical properties (such as structural, functional, and spatial information, amino acid conservation, physicochemical variation, residue mobility, and thermodynamic stability) performed at Invitae indicates that this missense variant is expected to disrupt CNGA3 protein function. In summary, the available evidence is currently insufficient to determine the role of this variant in disease. Therefore, it has been classified as a Variant of Uncertain Significance.

Blueprint Genetics
Classification: Uncertain significance. Last evaluated: 2020-11-17. Review status: criteria provided, single submitter. Criteria: ACMG Guidelines, 2015. Collection method: clinical testing. Allele origin: germline.